The following is an entry in ClinVar:

NM_001165963.4(SCN1A):c.4843T>A (p.Ser1615Thr)

Genes: SCN1A (sodium voltage-gated channel alpha subunit 1; minus strand), LOC102724058 (uncharacterized LOC102724058; plus strand). Cytogenetic location: 2q24.3.
Variant type: single nucleotide variant.
Coding change: c.4843T>A on transcript NM_001165963.4 (MANE Select); coding-DNA position 4843, T replaced by A.
Protein change: p.Ser1615Thr; replaces serine 1615 with threonine.
Molecular consequence: missense variant. On other transcripts: non-coding transcript variant (1).
Genome position (GRCh38, 1-based): chr2:165,994,155, A>T on the plus strand (T>A on the coding strand, the complement: SCN1A is on the minus strand). VCF-style: chr2-165994155-A-T. GRCh37 (hg19) VCF-style: chr2-166850665-A-T.
Other names: c.4759T>A, p.Ser1587Thr (NM_001165964.3, NM_001353957.2, NM_001353958.2); c.4843T>A, p.Ser1615Thr (NM_001202435.3, NM_001353948.2); c.4810T>A, p.Ser1604Thr (NM_001353949.2, NM_001353950.2, NM_001353951.2 and 2 more transcripts); c.4807T>A, p.Ser1603Thr (NM_001353954.2, NM_001353955.2); c.4756T>A, p.Ser1586Thr (NM_001353960.2); c.2401T>A, p.Ser801Thr (NM_001353961.2); short protein forms S1586T, S1587T, S1603T, S1604T, S1615T, S801T.
Identifiers: ClinVar variation 1053596 (VCV001053596.10), dbSNP rs2105447300, ClinGen allele CA349071256.

ClinVar aggregate classification (germline): Uncertain significance (1 of 4 stars; one submission).

Conditions:
Early-infantile DEE. Also called: Ohtahara syndrome; Early infantile epileptic encephalopathy with suppression bursts; Early infantile epileptic encephalopathy. Identifiers: Orphanet 1934, MedGen C0393706, MONDO:0800491.

Submission:

Labcorp Genetics (formerly Invitae), Labcorp
Classification: Uncertain significance for Early-infantile DEE. Last evaluated: 2020-02-06. Review status: criteria provided, single submitter. Criteria: Invitae Variant Classification Sherloc (09022015). Collection method: clinical testing. Allele origin: germline.
Comment: This sequence change replaces serine with threonine at codon 1615 of the SCN1A protein (p.Ser1615Thr). The serine residue is highly conserved and there is a small physicochemical difference between serine and threonine. This variant is not present in population databases (ExAC no frequency). This variant has not been reported in the literature in individuals with SCN1A-related conditions. Algorithms developed to predict the effect of missense changes on protein structure and function (SIFT, PolyPhen-2, Align-GVGD) all suggest that this variant is likely to be disruptive, but these predictions have not been confirmed by published functional studies and their clinical significance is uncertain. In summary, the available evidence is currently insufficient to determine the role of this variant in disease. Therefore, it has been classified as a Variant of Uncertain Significance.